The following is an entry in ClinVar:

ClinVar aggregate classification (germline): Uncertain significance (1 of 4 stars; one submission).

gnomAD v4.1: 9 of 1,614,082 alleles (0.00056%); highest among the groups gnomAD compares: Middle Eastern, 0.016%; no homozygotes.

Submission:

Labcorp Genetics (formerly Invitae), Labcorp
Classification: Uncertain significance. Last evaluated: 2021-09-01. Review status: criteria provided, single submitter. Criteria: Invitae Variant Classification Sherloc (09022015). Collection method: clinical testing. Allele origin: germline.
Comment: This sequence change replaces methionine with valine at codon 828 of the MTTP protein (p.Met828Val). The methionine residue is highly conserved and there is a small physicochemical difference between methionine and valine. This variant is present in population databases (rs751358105, ExAC 0.001%). This variant has not been reported in the literature in individuals affected with MTTP-related conditions. Algorithms developed to predict the effect of missense changes on protein structure and function are either unavailable or do not agree on the potential impact of this missense change (SIFT: "Deleterious"; PolyPhen-2: "Benign"; Align-GVGD: "Class C0"). In summary, the available evidence is currently insufficient to determine the role of this variant in disease. Therefore, it has been classified as a Variant of Uncertain Significance.

NM_001386140.1(MTTP):c.2482A>G (p.Met828Val)

Gene: MTTP (microsomal triglyceride transfer protein; plus strand). Cytogenetic location: 4q23.
Variant type: single nucleotide variant.
Coding change: c.2482A>G on transcript NM_001386140.1 (MANE Select); coding-DNA position 2482, A replaced by G.
Protein change: p.Met828Val; replaces methionine 828 with valine.
Molecular consequence: missense variant.
Genome position (GRCh38, 1-based): chr4:99,621,200, A>G. VCF-style: chr4-99621200-A-G. GRCh37 (hg19) VCF-style: chr4-100542357-A-G.
Other names: c.2482A>G, p.Met828Val (NM_000253.4); c.2233A>G, p.Met745Val (NM_001300785.2); short protein forms M745V, M828V.
Identifiers: ClinVar variation 2163641 (VCV002163641.1), dbSNP rs751358105, ClinGen allele CA3022371.